The following is an entry in ClinVar:

ClinVar aggregate classification (germline): Uncertain significance (1 of 4 stars; one submission).

Submission:

Labcorp Genetics (formerly Invitae), Labcorp
Classification: Uncertain significance. Last evaluated: 2024-07-02. Review status: criteria provided, single submitter. Criteria: Invitae Variant Classification Sherloc (09022015). Collection method: clinical testing. Allele origin: germline.
Comment: This variant, c.309_314dup, results in the insertion of 2 amino acid(s) of the SLC12A2 protein (p.Ala106_Ala107dup), but otherwise preserves the integrity of the reading frame. The frequency data for this variant in the population databases is considered unreliable, as metrics indicate poor data quality at this position in the gnomAD database. This variant has not been reported in the literature in individuals affected with SLC12A2-related conditions. In summary, the available evidence is currently insufficient to determine the role of this variant in disease. Therefore, it has been classified as a Variant of Uncertain Significance.

NM_001046.3(SLC12A2):c.309_314dup (p.Ala107_Gly108insAlaAla)

Genes: SLC12A2 (solute carrier family 12 member 2; plus strand), LOC129994526 (ATAC-STARR-seq lymphoblastoid silent region 16295; plus strand). Cytogenetic location: 5q23.3.
Variant type: Duplication.
Coding change: c.309_314dup on transcript NM_001046.3 (MANE Select); coding-DNA positions 309 to 314, 6 bases duplicated (AGCGGC; older notation c.309_314dupAGCGGC).
Protein change: p.Ala107_Gly108insAlaAla.
Molecular consequence: non-coding transcript variant (on NR_046207.2).
Genome position (GRCh38, 1-based): chr5:128,084,263-128,084,268, AGCGGC duplicated; duplicating any 6 consecutive bases within chr5:128,084,258-128,084,268 gives the same sequence; the c. name uses the placement nearest the transcript's 3' end. VCF-style (leftmost placement, unchanged base first): chr5-128084257-G-GGCGGCA. GRCh37 (hg19) VCF-style: chr5-127419949-G-GGCGGCA.
Other names: c.309_314dup, p.Ala107_Gly108insAlaAla (NM_001256461.2).
Identifiers: ClinVar variation 3630925 (VCV003630925.2).
Genomic context (GRCh38, chr5:128,084,257, plus strand): 5'-CCAGGTGGACCTGGTTTCCGAGAACGCCGGGCGGGCCGCTGCTGCGGCGGCGGCGGCGGC[G>GGCGGCA]GCGGCAGCGGCGGCGGCTGGTGCTGGGGCGGGGGCCAAGCAGACCCCCGCGGACGGGGAA-3'